The following is an entry in ClinVar:

NM_152564.5(VPS13B):c.5653G>A (p.Gly1885Arg)

Gene: VPS13B (vacuolar protein sorting 13 homolog B; plus strand). Cytogenetic location: 8q22.2.
Variant type: single nucleotide variant.
Coding change: c.5653G>A on transcript NM_152564.5 (MANE Select); coding-DNA position 5653, G replaced by A.
Protein change: p.Gly1885Arg; replaces glycine 1885 with arginine.
Molecular consequence: missense variant.
Genome position (GRCh38, 1-based): chr8:99,642,243, G>A. VCF-style: chr8-99642243-G-A. GRCh37 (hg19) VCF-style: chr8-100654471-G-A.
Other names: c.5728G>A, p.Gly1910Arg (NM_017890.5); short protein forms G1885R, G1910R.
Identifiers: ClinVar variation 1481980 (VCV001481980.5), dbSNP rs1829399240, ClinGen allele CA371873027.

ClinVar aggregate classification (germline): Uncertain significance (1 of 4 stars; one submission).

Conditions:
Cohen syndrome (COH1). Also called: PEPPER SYNDROME; Cutis verticis gyrata, retinitis pigmentosa, and sensorineural deafness. Identifiers: Orphanet 193, MedGen C0265223, MONDO:0008999, OMIM 216550.

Allele frequency attached by ClinVar (database versions not stated): gnomAD exomes 0.00001.
gnomAD v4.1: 3 of 1,613,968 alleles (0.00019%); highest among the groups gnomAD compares: Non-Finnish European, 0.00017%; no homozygotes.

Submission:

Labcorp Genetics (formerly Invitae), Labcorp
Classification: Uncertain significance for Cohen syndrome. Last evaluated: 2024-10-29. Review status: criteria provided, single submitter. Criteria: Invitae Variant Classification Sherloc (09022015). Collection method: clinical testing. Allele origin: germline.
Comment: This sequence change replaces glycine, which is neutral and non-polar, with arginine, which is basic and polar, at codon 1910 of the VPS13B protein (p.Gly1910Arg). This variant is not present in population databases (gnomAD no frequency). This variant has not been reported in the literature in individuals affected with VPS13B-related conditions. ClinVar contains an entry for this variant (Variation ID: 1481980). Invitae Evidence Modeling of protein sequence and biophysical properties (such as structural, functional, and spatial information, amino acid conservation, physicochemical variation, residue mobility, and thermodynamic stability) indicates that this missense variant is not expected to disrupt VPS13B protein function with a negative predictive value of 80%. In summary, the available evidence is currently insufficient to determine the role of this variant in disease. Therefore, it has been classified as a Variant of Uncertain Significance.